The following is an entry in ClinVar:

ClinVar aggregate classification (germline): Conflicting classifications of pathogenicity. Review status: criteria provided, conflicting classifications (1 of 4 stars). 3 submissions from 3 submitters: Uncertain significance (2); Benign (1). Last evaluated 2025-06-29.

Conditions:
Genitopatellar syndrome (GTPTS). Also called: Genitopatellar syndrome (GPS); ABSENT PATELLAE, SCROTAL HYPOPLASIA, RENAL ANOMALIES, FACIAL DYSMORPHISM, AND MENTAL RETARDATION. Identifiers: Orphanet 85201, MedGen C1853566, MONDO:0011640, OMIM 606170.
Blepharophimosis - intellectual disability syndrome, SBBYS type (SBBYSS). Also called: Say-Barber-Biesecker-Young-Simpson variant of Ohdo Syndrome; Say-Barber-Biesecker Variant of Ohdo Syndrome; SBBYSS syndrome; Ohdo syndrome, SBBYS variant; Young Simpson syndrome; Mental retardation unusual facies hypothyroidism. Identifiers: Orphanet 3047, MedGen C1863557, MONDO:0011365, OMIM 603736.

Allele frequency attached by ClinVar (database versions not stated): gnomAD 0.00001; gnomAD exomes 0.00002; ExAC 0.00003; TOPMed 0.00003; ESP Exome Variant Server 0.00008.
gnomAD v4.1: 39 of 1,613,786 alleles (0.0024%); highest among the groups gnomAD compares: Non-Finnish European, 0.0031%; no homozygotes.

Submissions (3):

Labcorp Genetics (formerly Invitae), Labcorp
Classification: Benign for Genitopatellar syndrome. Last evaluated: 2025-06-29. Review status: criteria provided, single submitter. Criteria: Invitae Variant Classification Sherloc (09022015). Collection method: clinical testing. Allele origin: germline.

Fulgent Genetics
Classification: Uncertain significance for Blepharophimosis - intellectual disability syndrome, SBBYS type; Genitopatellar syndrome. Last evaluated: 2022-02-08. Review status: criteria provided, single submitter. Criteria: ACMG Guidelines, 2015. Collection method: clinical testing. Allele origin: unknown.

GeneDx
Classification: Uncertain significance. Last evaluated: 2017-05-22. Review status: criteria provided, single submitter. Criteria: GeneDx Variant Classification (06012015). Collection method: clinical testing. Allele origin: germline. Affected: yes.
Comment: The Q700R variant has not been published as a pathogenic variant, nor has it been reported as a benign variant to our knowledge. The Q700R variant is observed in 4/66734 (0.006%) alleles in the ExAC dataset (Lek et al., 2016). The Q700R variant is a semi-conservative amino acid substitution, which may impact secondary protein structure as these residues differ in some properties. This substitution occurs at a position that is conserved in mammals. In silico analysis predicts this variant is probably damaging to the protein structure/function. In summary, based on the currently available information, it is unclear whether this variant is a pathogenic variant or a rare benign variant.

NM_012330.4(KAT6B):c.2099A>G (p.Gln700Arg)

Gene: KAT6B (lysine acetyltransferase 6B; plus strand). Cytogenetic location: 10q22.2.
Variant type: single nucleotide variant.
Coding change: c.2099A>G on transcript NM_012330.4 (MANE Select); coding-DNA position 2099, A replaced by G.
Protein change: p.Gln700Arg; replaces glutamine 700 with arginine.
Molecular consequence: missense variant. On other transcripts: intron variant (3).
Genome position (GRCh38, 1-based): chr10:74,977,421, A>G. VCF-style: chr10-74977421-A-G. GRCh37 (hg19) VCF-style: chr10-76737179-A-G.
Other names: c.1550A>G, p.Gln517Arg (NM_001256468.2, NM_001370138.1); c.1223A>G, p.Gln408Arg (NM_001256469.2, NM_001370132.1, NM_001370139.1 and 3 more transcripts); c.2099A>G, p.Gln700Arg (NM_001370136.1, NM_001370137.1); c.1034A>G, p.Gln345Arg (NM_001370143.1, NM_001370144.1); c.846+7646A>G (NM_001370133.1); c.193-1803A>G (NM_001370134.1); c.193-11598A>G (NM_001370135.1); short protein forms Q700R, Q345R, Q517R, Q408R.
Identifiers: ClinVar variation 430339 (VCV000430339.6), dbSNP rs371018598, ClinGen allele CA5564521.